The following is an entry in ClinVar:

ClinVar aggregate classification (germline): Uncertain significance (1 of 4 stars; one submission).

Allele frequency attached by ClinVar (database versions not stated): gnomAD exomes 0.00001.
gnomAD v4.1: 7 of 1,614,106 alleles (0.00043%); highest among the groups gnomAD compares: Non-Finnish European, 0.00059%; no homozygotes.

Submission:

GeneDx
Classification: Uncertain significance. Last evaluated: 2013-03-14. Review status: criteria provided, single submitter. Criteria: GeneDx Variant Classification (06012015). Collection method: clinical testing. Allele origin: germline. Affected: yes.
Comment: p.Val481Leu (GTA>TTA): c.1441 G>T in exon 16 of the ALDH7A1 gene (NM_001182.3). The Val481Leu missense change has not been published as a mutation, nor has it been reported as a benign polymorphism to our knowledge. The NHLBI ESP Exome Variant Project has not identified Val481Leu in approximately 6,500 individuals of European or African American ethnicity, indicating that it is not a common benign variant in these populations. The amino acid substitution is conservative, as both Valine and Leucine are both uncharged, non-polar amino acids. However, it alters a highly conserved position on the protein, and multiple in silico algorithms predict it may be damaging to protein structure/function. Therefore, based on the currently available information, it is unclear whether Val481Leu is a disease-causing mutation or a rare benign variant. The variant is found in INFANT-EPI panel(s).

NM_001182.5(ALDH7A1):c.1441G>T (p.Val481Leu)

Gene: ALDH7A1 (aldehyde dehydrogenase 7 family member A1; minus strand). Cytogenetic location: 5q23.2.
Variant type: single nucleotide variant.
Coding change: c.1441G>T on transcript NM_001182.5 (MANE Select); coding-DNA position 1441, G replaced by T.
Protein change: p.Val481Leu; replaces valine 481 with leucine.
Molecular consequence: missense variant.
Genome position (GRCh38, 1-based): chr5:126,549,977, C>A on the plus strand (G>T on the coding strand, the complement: ALDH7A1 is on the minus strand). VCF-style: chr5-126549977-C-A. GRCh37 (hg19) VCF-style: chr5-125885669-C-A.
Other names: p.V481L:GTA>TTA; c.1357G>T, p.Val453Leu (NM_001201377.2); c.1249G>T, p.Val417Leu (NM_001202404.2); short protein forms V481L, V453L, V417L.
Identifiers: ClinVar variation 204850 (VCV000204850.2), dbSNP rs796052264, ClinGen allele CA313207.